The following is an entry in ClinVar:

ClinVar aggregate classification (germline): Uncertain significance. Review status: criteria provided, multiple submitters, no conflicts (2 of 4 stars). 2 submissions from 2 submitters: Uncertain significance (2). Last evaluated 2025-10-13.

Conditions:
Inborn genetic diseases. Identifiers: MedGen C0950123, MeSH D030342.

Allele frequency attached by ClinVar (database versions not stated): gnomAD exomes below 0.00001; TOPMed below 0.00001; gnomAD 0.00001.
gnomAD v4.1: 7 of 1,613,882 alleles (0.00043%); highest among the groups gnomAD compares: East Asian, 0.0067%; no homozygotes.

Submissions (2):

Labcorp Genetics (formerly Invitae), Labcorp
Classification: Uncertain significance. Last evaluated: 2025-10-13. Review status: criteria provided, single submitter. Criteria: Invitae Variant Classification Sherloc (09022015). Collection method: clinical testing. Allele origin: germline.
Comment: This sequence change replaces threonine, which is neutral and polar, with isoleucine, which is neutral and non-polar, at codon 518 of the CDH2 protein (p.Thr518Ile). This variant is not present in population databases (gnomAD no frequency). This variant has not been reported in the literature in individuals affected with CDH2-related conditions. ClinVar contains an entry for this variant (Variation ID: 3221783). An algorithm developed to predict the effect of missense changes on protein structure and function (PolyPhen-2) suggests that this variant is likely to be tolerated. In summary, the available evidence is currently insufficient to determine the role of this variant in disease. Therefore, it has been classified as a Variant of Uncertain Significance.

Ambry Genetics
Classification: Uncertain significance for Inborn genetic diseases. Last evaluated: 2023-11-01. Review status: criteria provided, single submitter. Criteria: Ambry Variant Classification Scheme 2023. Collection method: clinical testing. Allele origin: germline.
Comment: The p.T518I variant (also known as c.1553C>T), located in coding exon 10 of the CDH2 gene, results from a C to T substitution at nucleotide position 1553. The threonine at codon 518 is replaced by isoleucine, an amino acid with similar properties. This amino acid position is conserved. In addition, this alteration is predicted to be tolerated by in silico analysis. Since supporting evidence is limited at this time, the clinical significance of this alteration remains unclear.

NM_001792.5(CDH2):c.1553C>T (p.Thr518Ile)

Gene: CDH2 (cadherin 2; minus strand). Cytogenetic location: 18q12.1.
Variant type: single nucleotide variant.
Coding change: c.1553C>T on transcript NM_001792.5 (MANE Select); coding-DNA position 1553, C replaced by T.
Protein change: p.Thr518Ile; replaces threonine 518 with isoleucine.
Molecular consequence: missense variant.
Genome position (GRCh38, 1-based): chr18:27,990,142, G>A on the plus strand (C>T on the coding strand, the complement: CDH2 is on the minus strand). VCF-style: chr18-27990142-G-A. GRCh37 (hg19) VCF-style: chr18-25570106-G-A.
Other names: c.1460C>T, p.Thr487Ile (NM_001308176.2); short protein forms T487I, T518I.
Identifiers: ClinVar variation 3221783 (VCV003221783.2), dbSNP rs2012364706, ClinGen allele CA402108910.